The following is an entry in ClinVar:

ClinVar aggregate classification (germline): Uncertain significance (1 of 4 stars; one submission).

Conditions:
Combined immunodeficiency due to DOCK8 deficiency (HIES2). Also called: HIES autosomal recessive; Hyper-IgE recurrent infection syndrome, autosomal recessive; DOCK8 Deficiency; HYPER-IgE RECURRENT INFECTION SYNDROME 2, AUTOSOMAL RECESSIVE; HYPER-IgE SYNDROME 2, AUTOSOMAL RECESSIVE, WITH RECURRENT INFECTIONS. Identifiers: Orphanet 217390, MedGen C4722305, MONDO:0009478, OMIM 243700.

Allele frequency attached by ClinVar (database versions not stated): gnomAD exomes 0.00001; ExAC 0.00002.
gnomAD v4.1: 14 of 1,614,178 alleles (0.00087%); highest among the groups gnomAD compares: African/African-American, 0.0027%; no homozygotes.

Submission:

Labcorp Genetics (formerly Invitae), Labcorp
Classification: Uncertain significance for Combined immunodeficiency due to DOCK8 deficiency. Last evaluated: 2022-09-01. Review status: criteria provided, single submitter. Criteria: Invitae Variant Classification Sherloc (09022015). Collection method: clinical testing. Allele origin: germline.
Comment: In summary, the available evidence is currently insufficient to determine the role of this variant in disease. Therefore, it has been classified as a Variant of Uncertain Significance. Algorithms developed to predict the effect of missense changes on protein structure and function output the following: SIFT: "Tolerated"; PolyPhen-2: "Benign"; Align-GVGD: "Class C0". The isoleucine amino acid residue is found in multiple mammalian species, which suggests that this missense change does not adversely affect protein function. ClinVar contains an entry for this variant (Variation ID: 1360000). This variant has not been reported in the literature in individuals affected with DOCK8-related conditions. The frequency data for this variant in the population databases is considered unreliable, as metrics indicate poor data quality at this position in the gnomAD database. This sequence change replaces methionine, which is neutral and non-polar, with isoleucine, which is neutral and non-polar, at codon 901 of the DOCK8 protein (p.Met901Ile).

NM_203447.4(DOCK8):c.2703G>A (p.Met901Ile)

Gene: DOCK8 (dedicator of cytokinesis 8; plus strand). Cytogenetic location: 9p24.3.
Variant type: single nucleotide variant.
Coding change: c.2703G>A on transcript NM_203447.4 (MANE Select); coding-DNA position 2703, G replaced by A.
Protein change: p.Met901Ile; replaces methionine 901 with isoleucine.
Molecular consequence: missense variant.
Genome position (GRCh38, 1-based): chr9:382,610, G>A. VCF-style: chr9-382610-G-A. GRCh37 (hg19) VCF-style: chr9-382610-G-A.
Other names: c.2499G>A, p.Met833Ile (NM_001190458.2, NM_001193536.2); short protein forms M833I, M901I.
Identifiers: ClinVar variation 1360000 (VCV001360000.6), dbSNP rs765627689, ClinGen allele CA4958288.
Genomic context (GRCh38, chr9:382,610, plus strand): 5'-CACGTATGGCCGCACATCAGCTGCTGCTGTGAGTTCAAAGCTGCTGCAGGCCCGGGTGAT[G>A]AGCAGCAGTAACCCAGACCTCGCGGGGACACACTCCGCAGCAGACGAGGAAGTGAAGAAC-3'
Protein context (NP_982272.2, residues 891-911): VSSKLLQARV[Met901Ile]SSSNPDLAGT